The following is an entry in ClinVar:

NM_152564.5(VPS13B):c.8561A>G (p.Gln2854Arg)

Gene: VPS13B (vacuolar protein sorting 13 homolog B; plus strand). Cytogenetic location: 8q22.2.
Variant type: single nucleotide variant.
Coding change: c.8561A>G on transcript NM_152564.5 (MANE Select); coding-DNA position 8561, A replaced by G.
Protein change: p.Gln2854Arg; replaces glutamine 2854 with arginine.
Molecular consequence: missense variant.
Genome position (GRCh38, 1-based): chr8:99,818,828, A>G. VCF-style: chr8-99818828-A-G. GRCh37 (hg19) VCF-style: chr8-100831056-A-G.
Other names: c.8636A>G, p.Gln2879Arg (NM_017890.5); short protein forms Q2854R, Q2879R.
Identifiers: ClinVar variation 4764601 (VCV004764601.1).

ClinVar aggregate classification (germline): Uncertain significance (1 of 4 stars; one submission).

Conditions:
Cohen syndrome (COH1). Also called: PEPPER SYNDROME; Cutis verticis gyrata, retinitis pigmentosa, and sensorineural deafness. Identifiers: Orphanet 193, MedGen C0265223, MONDO:0008999, OMIM 216550.

gnomAD v4.1: 1 of 1,614,104 alleles (0.000062%); highest among the groups gnomAD compares: Non-Finnish European, 0.000085%; no homozygotes.

Submission:

Labcorp Genetics (formerly Invitae), Labcorp
Classification: Uncertain significance for Cohen syndrome. Last evaluated: 2025-12-15. Review status: criteria provided, single submitter. Criteria: Invitae Variant Classification Sherloc (09022015). Collection method: clinical testing. Allele origin: germline.
Comment: This sequence change replaces glutamine, which is neutral and polar, with arginine, which is basic and polar, at codon 2879 of the VPS13B protein (p.Gln2879Arg). This variant is not present in population databases (gnomAD no frequency). This variant has not been reported in the literature in individuals affected with VPS13B-related conditions. Invitae Evidence Modeling of protein sequence and biophysical properties (such as structural, functional, and spatial information, amino acid conservation, physicochemical variation, residue mobility, and thermodynamic stability) indicates that this missense variant is not expected to disrupt VPS13B protein function with a negative predictive value of 80%. In summary, the available evidence is currently insufficient to determine the role of this variant in disease. Therefore, it has been classified as a Variant of Uncertain Significance.